The following is an entry in ClinVar:

ClinVar aggregate classification (germline): Uncertain significance (1 of 4 stars; one submission).

Allele frequency attached by ClinVar (database versions not stated): 1000 Genomes Project 30x 0.00016; 1000 Genomes Project 0.00020; ExAC 0.00001; TOPMed 0.00005; gnomAD exomes below 0.00001; gnomAD 0.00002.
gnomAD v4.1: 5 of 1,610,660 alleles (0.00031%); highest among the groups gnomAD compares: African/African-American, 0.0053%; no homozygotes.

Submission:

Labcorp Genetics (formerly Invitae), Labcorp
Classification: Uncertain significance. Last evaluated: 2025-03-03. Review status: criteria provided, single submitter. Criteria: Invitae Variant Classification Sherloc (09022015). Collection method: clinical testing. Allele origin: germline.
Comment: This sequence change replaces threonine, which is neutral and polar, with alanine, which is neutral and non-polar, at codon 139 of the POC5 protein (p.Thr139Ala). The frequency data for this variant in the population databases is considered unreliable, as metrics indicate poor data quality at this position in the gnomAD database. This variant has not been reported in the literature in individuals affected with POC5-related conditions. ClinVar contains an entry for this variant (Variation ID: 2885851). An algorithm developed to predict the effect of missense changes on protein structure and function outputs the following: PolyPhen-2: "Benign". The alanine amino acid residue is found in multiple mammalian species, which suggests that this missense change does not adversely affect protein function. In summary, the available evidence is currently insufficient to determine the role of this variant in disease. Therefore, it has been classified as a Variant of Uncertain Significance.

NM_001099271.2(POC5):c.415A>G (p.Thr139Ala)

Gene: POC5 (POC5 centriolar protein; minus strand). Cytogenetic location: 5q13.3.
Variant type: single nucleotide variant.
Coding change: c.415A>G on transcript NM_001099271.2 (MANE Select); coding-DNA position 415, A replaced by G.
Protein change: p.Thr139Ala; replaces threonine 139 with alanine.
Molecular consequence: missense variant.
Genome position (GRCh38, 1-based): chr5:75,702,703, T>C on the plus strand (A>G on the coding strand, the complement: POC5 is on the minus strand). VCF-style: chr5-75702703-T-C. GRCh37 (hg19) VCF-style: chr5-74998528-T-C.
Other names: c.340A>G, p.Thr114Ala (NM_152408.3); short protein forms T114A, T139A.
Identifiers: ClinVar variation 2885851 (VCV002885851.3), dbSNP rs199742799, ClinGen allele CA3310582.
Genomic context (GRCh38, chr5:75,702,703, plus strand): 5'-TCTTCTGAAGGTTTTCATCAGAAACAAGAAAATCGCTCACAAGTATTTCATGGGCATCTG[T>C]ATGACTAGAATTTGTTGCTGGTGAGGAAGAGTCAGCTAAAAGATGTGAACTGAAAAAATC-3'
Protein context (NP_001092741.1, residues 129-149): SSSPATNSSH[Thr139Ala]DAHEILVSDF